The following is an entry in ClinVar:

ClinVar aggregate classification (germline): Conflicting classifications of pathogenicity. Review status: criteria provided, conflicting classifications (1 of 4 stars). 3 submissions from 3 submitters: Uncertain significance (1); Likely benign (1). 1 of the submissions does not count toward it. Last evaluated 2026-03-26.

Conditions:
RAI1-related disorder. Also called: RAI1-related condition.

Allele frequency attached by ClinVar (database versions not stated): gnomAD exomes below 0.00001; TOPMed below 0.00001.
gnomAD v4.1: 5 of 1,601,346 alleles (0.00031%); highest among the groups gnomAD compares: South Asian, 0.0011%; no homozygotes.

Submissions (3):

Women's Health and Genetics/Laboratory Corporation of America, LabCorp
Classification: Uncertain significance. Last evaluated: 2026-03-26. Review status: criteria provided, single submitter. Criteria: LabCorp Variant Classification Summary - May 2015. Collection method: clinical testing. Allele origin: germline.
Comment: Variant summary: RAI1 c.5321G>A (p.Arg1774Gln) results in a conservative amino acid change in the encoded protein sequence. Algorithms developed to predict the effect of missense changes on protein structure and function are either unavailable or do not agree on the potential impact of this missense change. The frequency data for this variant in gnomAD is considered unreliable, as metrics indicate poor data quality at this position. To our knowledge, no occurrence of c.5321G>A in individuals affected with RAI1-related conditions and no experimental evidence demonstrating its impact on protein function have been reported. ClinVar contains an entry for this variant (Variation ID: 2987698). Based on the evidence outlined above, the variant was classified as uncertain significance.

Labcorp Genetics (formerly Invitae), Labcorp
Classification: Likely benign. Last evaluated: 2024-01-02. Review status: criteria provided, single submitter. Criteria: Invitae Variant Classification Sherloc (09022015). Collection method: clinical testing. Allele origin: germline.

PreventionGenetics, part of Exact Sciences
Classification: Uncertain significance for RAI1-related condition. Last evaluated: 2024-08-05. Review status: no assertion criteria provided. Collection method: clinical testing. Allele origin: germline. Not counted in ClinVar's aggregate classification.
Comment: The RAI1 c.5321G>A variant is predicted to result in the amino acid substitution p.Arg1774Gln. To our knowledge, this variant has not been reported in the literature or in a large population database, indicating this variant is rare. At this time, the clinical significance of this variant is uncertain due to the absence of conclusive functional and genetic evidence.

NM_030665.4(RAI1):c.5321G>A (p.Arg1774Gln)

Gene: RAI1 (retinoic acid induced 1; plus strand). Cytogenetic location: 17p11.2.
Variant type: single nucleotide variant.
Coding change: c.5321G>A on transcript NM_030665.4 (MANE Select); coding-DNA position 5321, G replaced by A.
Protein change: p.Arg1774Gln; replaces arginine 1774 with glutamine.
Molecular consequence: missense variant.
Genome position (GRCh38, 1-based): chr17:17,798,269, G>A. VCF-style: chr17-17798269-G-A. GRCh37 (hg19) VCF-style: chr17-17701583-G-A.
Other names: c.5321G>A (NM_030665.3); short protein forms R1774Q.
Identifiers: ClinVar variation 2987698 (VCV002987698.5), dbSNP rs892281911, ClinGen allele CA288371991.